The following is an entry in ClinVar:

ClinVar aggregate classification (germline): Likely benign. Review status: criteria provided, multiple submitters, no conflicts (2 of 4 stars). 4 submissions from 4 submitters: Likely benign (4). Last evaluated 2026-01-31.

Conditions:
Hereditary cancer-predisposing syndrome. Also called: Neoplastic Syndromes, Hereditary; Hereditary Cancer Syndrome; Hereditary neoplastic syndrome; Tumor predisposition. Identifiers: Orphanet 140162, MedGen C0027672, MeSH D009386, MONDO:0015356.
Familial adenomatous polyposis 2. Also called: ADENOMAS, MULTIPLE COLORECTAL, AUTOSOMAL RECESSIVE; MYH-associated polyposis; Adenomas, multiple colorectal; MUTYH Polyposis; COLORECTAL ADENOMATOUS POLYPOSIS, AUTOSOMAL RECESSIVE; FAP type 2. Identifiers: Orphanet 220460, Orphanet 247798, MedGen C3272841, MONDO:0012041, OMIM 608456.

Allele frequency attached by ClinVar (database versions not stated): TOPMed 0.00003; gnomAD 0.00004 and 0.00007; gnomAD exomes 0.00005 and 0.00013; ExAC 0.00016; 1000 Genomes Project 30x 0.00062; 1000 Genomes Project 0.00080.
gnomAD v4.1: 78 of 1,614,192 alleles (0.0048%); highest among the groups gnomAD compares: East Asian, 0.17%; no homozygotes.

Submissions (4):

Labcorp Genetics (formerly Invitae), Labcorp
Classification: Likely benign for Familial adenomatous polyposis 2. Last evaluated: 2026-01-31. Review status: criteria provided, single submitter. Criteria: Invitae Variant Classification Sherloc (09022015). Collection method: clinical testing. Allele origin: germline.

Center for Genomic Medicine, Rigshospitalet, Copenhagen University Hospital
Classification: Likely benign. Last evaluated: 2025-03-04. Review status: criteria provided, single submitter. Criteria: ACMG Guidelines, 2015. Collection method: clinical testing. Allele origin: germline.

GeneDx
Classification: Likely benign. Last evaluated: 2017-05-16. Review status: criteria provided, single submitter. Criteria: GeneDx Variant Classification (06012015). Collection method: clinical testing. Allele origin: germline. Affected: yes.
Comment: This variant is considered likely benign or benign based on one or more of the following criteria: it is a conservative change, it occurs at a poorly conserved position in the protein, it is predicted to be benign by multiple in silico algorithms, and/or has population frequency not consistent with disease.

Color Diagnostics, LLC DBA Color Health
Classification: Likely benign for Hereditary cancer-predisposing syndrome. Last evaluated: 2016-08-18. Review status: criteria provided, single submitter. Criteria: ACMG Guidelines, 2015. Collection method: clinical testing. Allele origin: germline.

NM_001048174.2(MUTYH):c.1240-20C>T

Gene: MUTYH (mutY DNA glycosylase; minus strand). Cytogenetic location: 1p34.1.
Variant type: single nucleotide variant.
Coding change: c.1240-20C>T on transcript NM_001048174.2 (MANE Select); 20 bases into the intron before coding-DNA position 1240, C replaced by T.
Molecular consequence: intron variant.
Genome position (GRCh38, 1-based): chr1:45,331,354, G>A on the plus strand (C>T on the coding strand, the complement: MUTYH is on the minus strand). VCF-style: chr1-45331354-G-A. GRCh37 (hg19) VCF-style: chr1-45797026-G-A.
Other names: c.895-20C>T (NM_001350651.2, NM_001350650.2); c.964-20C>T (NM_001293192.2, NM_001293196.2); c.1240-20C>T (NM_001048171.2, NM_001048173.2, NM_001293195.2); c.1285-20C>T (NM_001293190.2); c.1315-20C>T (NM_012222.3); c.1324-20C>T (NM_001128425.2); c.1243-20C>T (NM_001048172.2); c.1273-20C>T (NM_001293191.2).
Identifiers: ClinVar variation 379594 (VCV000379594.12), dbSNP rs184154021, ClinGen allele CA056095.